The following is an entry in ClinVar:

ClinVar aggregate classification (germline): Uncertain significance (1 of 4 stars; one submission).

Conditions:
Long QT syndrome (LQTS). Identifiers: MedGen C0023976, MeSH D008133, MONDO:0002442. Disease mechanism: loss of function. Inheritance: Various modes of inheritance.

Submission:

Labcorp Genetics (formerly Invitae), Labcorp
Classification: Uncertain significance for Long QT syndrome. Last evaluated: 2024-02-23. Review status: criteria provided, single submitter. Criteria: Invitae Variant Classification Sherloc (09022015). Collection method: clinical testing. Allele origin: germline.
Comment: This sequence change replaces alanine, which is neutral and non-polar, with serine, which is neutral and polar, at codon 172 of the KCNH2 protein (p.Ala172Ser). This variant is not present in population databases (gnomAD no frequency). This variant has not been reported in the literature in individuals affected with KCNH2-related conditions. An algorithm developed to predict the effect of missense changes on protein structure and function (PolyPhen-2) suggests that this variant is likely to be tolerated. In summary, the available evidence is currently insufficient to determine the role of this variant in disease. Therefore, it has been classified as a Variant of Uncertain Significance.

NM_000238.4(KCNH2):c.514G>T (p.Ala172Ser)

Gene: KCNH2 (potassium voltage-gated channel subfamily H member 2; minus strand). Cytogenetic location: 7q36.1.
Variant type: single nucleotide variant.
Coding change: c.514G>T on transcript NM_000238.4 (MANE Select); coding-DNA position 514, G replaced by T.
Protein change: p.Ala172Ser; replaces alanine 172 with serine.
Molecular consequence: missense variant. On other transcripts: non-coding transcript variant (1).
Genome position (GRCh38, 1-based): chr7:150,958,461, C>A on the plus strand (G>T on the coding strand, the complement: KCNH2 is on the minus strand). VCF-style: chr7-150958461-C-A. GRCh37 (hg19) VCF-style: chr7-150655549-C-A.
Other names: c.226G>T, p.Ala76Ser (NM_001406753.1, NM_001406756.1); c.337G>T, p.Ala113Ser (NM_001406755.1); c.214G>T, p.Ala72Ser (NM_001406757.1); c.514G>T, p.Ala172Ser (NM_172056.3); short protein forms A72S, A76S, A172S, A113S.
Identifiers: ClinVar variation 2858474 (VCV002858474.3), dbSNP rs2486094882, ClinGen allele CA369863472.